The following is an entry in ClinVar:

ClinVar aggregate classification (germline): Pathogenic/Likely pathogenic. Review status: criteria provided, multiple submitters, no conflicts (2 of 4 stars). 5 submissions from 5 submitters: Pathogenic (4); Likely pathogenic (1). Last evaluated 2025-06-13.

Conditions:
Hereditary cancer-predisposing syndrome. Also called: Tumor predisposition; Neoplastic Syndromes, Hereditary; Hereditary Cancer Syndrome; Hereditary neoplastic syndrome. Identifiers: Orphanet 140162, MedGen C0027672, MeSH D009386, MONDO:0015356.
Cardiovascular phenotype. Identifiers: MedGen CN230736.
LZTR1-related schwannomatosis. Also called: Schwannomatosis 2; Schwannomatosis-2, susceptibility to. Identifiers: Orphanet 93921, MedGen C3810283, MONDO:0014299, OMIM 615670.

Submissions (5):

GeneDx
Classification: Pathogenic. Last evaluated: 2025-06-13. Review status: criteria provided, single submitter. Criteria: GeneDx Variant Classification Process June 2021. Collection method: clinical testing. Allele origin: germline. Affected: yes.
Comment: Frameshift variant predicted to result in protein truncation or nonsense mediated decay in a gene for which loss of function is a known mechanism of disease; Not observed at significant frequency in large population cohorts (gnomAD); This variant is associated with the following publications: (PMID: 31980526, 37509153, 32443592)

Labcorp Genetics (formerly Invitae), Labcorp
Classification: Pathogenic. Last evaluated: 2025-05-11. Review status: criteria provided, single submitter. Criteria: Invitae Variant Classification Sherloc (09022015). Collection method: clinical testing. Allele origin: germline.
Comment: This sequence change creates a premature translational stop signal (p.Ser327Glnfs*7) in the LZTR1 gene. It is expected to result in an absent or disrupted protein product. Loss-of-function variants in LZTR1 are known to be pathogenic (PMID: 24362817, 25335493, 25480913, 25795793, 29469822, 30368668, 30442762, 30442766, 30481304, 30859559). This variant is not present in population databases (gnomAD no frequency). This variant has not been reported in the literature in individuals affected with LZTR1-related conditions. ClinVar contains an entry for this variant (Variation ID: 1709123). For these reasons, this variant has been classified as Pathogenic.

Institute of Immunology and Genetics Kaiserslautern
Classification: Pathogenic for LZTR1-related schwannomatosis. Last evaluated: 2024-03-09. Review status: criteria provided, single submitter. Criteria: ACMG Guidelines, 2015. Collection method: clinical testing. Allele origin: germline.
Comment: ACMG Criteria: PVS1, PM2, PP5; Variant was found in heterozygous state

Ambry Genetics
Classification: Pathogenic for Cardiovascular phenotype; Hereditary cancer-predisposing syndrome. Last evaluated: 2022-11-15. Review status: criteria provided, single submitter. Criteria: Ambry Variant Classification Scheme 2023. Collection method: clinical testing. Allele origin: germline.
Comment: The c.978_985delCAGCTCCG variant, located in coding exon 9 of the LZTR1 gene, results from a deletion of 8 nucleotides at nucleotide positions 978 to 985, causing a translational frameshift with a predicted alternate stop codon (p.S327Qfs*7). Cohort studies of patients with schwannomatosis have identified this variant in affected individuals (Farschtschi SC et al. Int J Mol Sci, 2020 May;21; Godel T et al. Diagnostics (Basel), 2022 Mar;12:). This mutation was also identified in one individual from a cohort of healthy volunteers; this individual lacked LZTR1-associated disease on deep phenotype analysis (Hou YC et al. Proc Natl Acad Sci U S A, 2020 02;117:3053-3062). In addition to the clinical data presented in the literature, This alteration is expected to result in loss of function by premature protein truncation or nonsense-mediated mRNA decay. Loss-of-function variants in LZTR1 are related to an increased risk for schwannomas and autosomal recessive Noonan syndrome; however, such associations with autosomal dominant Noonan syndrome have not been observed (Piotrowski A et al. Nat Genet. 2014 Feb;46:182-7; Yamamoto GL et al. J Med Genet. 2015 Jun;52:413-21; Johnston JJ et al. Genet Med. 2018 10;20:1175-1185). Based on the supporting evidence, this variant is pathogenic for an increased risk of LZTR1-related schwannomatosis (SWN) and would be expected to cause autosomal recessive Noonan syndrome when present along with a second pathogenic or likely pathogenic variant on the other allele; however, the association of this alteration with autosomal dominant Noonan syndrome is unlikely.

MGZ Medical Genetics Center
Classification: Likely pathogenic for LZTR1-related schwannomatosis. Last evaluated: 2022-01-21. Review status: criteria provided, single submitter. Criteria: ACMG Guidelines, 2015. Collection method: clinical testing. Allele origin: germline. Affected: yes. Observed: 1 variant allele.
Comment: ACMG criteria applied: PVS1, PM2_SUP

Literature cited by the submitters: PubMed 24362817 (cited by Labcorp Genetics (formerly Invitae), Labcorp); PubMed 25335493 (cited by Labcorp Genetics (formerly Invitae), Labcorp); PubMed 25480913 (cited by Labcorp Genetics (formerly Invitae), Labcorp); PubMed 25795793 (cited by Labcorp Genetics (formerly Invitae), Labcorp); PubMed 29469822 (cited by Labcorp Genetics (formerly Invitae), Labcorp); PubMed 30368668 (cited by Labcorp Genetics (formerly Invitae), Labcorp); PubMed 30442762 (cited by Labcorp Genetics (formerly Invitae), Labcorp); PubMed 30442766 (cited by Labcorp Genetics (formerly Invitae), Labcorp); PubMed 30481304 (cited by Labcorp Genetics (formerly Invitae), Labcorp); PubMed 30859559 (cited by Labcorp Genetics (formerly Invitae), Labcorp).

NM_006767.4(LZTR1):c.978_985del (p.Ser327fs)

Gene: LZTR1 (leucine zipper like post translational regulator 1; plus strand). Cytogenetic location: 22q11.21.
Variant type: Deletion.
Coding change: c.978_985del on transcript NM_006767.4 (MANE Select); coding-DNA positions 978 to 985, 8 bases deleted (CAGCTCCG; older notation c.978_985delCAGCTCCG).
Protein change: p.Ser327fs; shifts the reading frame from serine 327.
Molecular consequence: frameshift variant.
Genome position (GRCh38, 1-based): chr22:20,991,814-20,991,821, CAGCTCCG deleted. VCF-style (leftmost placement, unchanged base first): chr22-20991813-CCAGCTCCG-C. GRCh37 (hg19) VCF-style: chr22-21346102-CCAGCTCCG-C.
Other names: c.978_985delCAGCTCCG (NM_006767.3); c.978_985del (NM_006767.3); short protein forms S327fs.
Identifiers: ClinVar variation 1709123 (VCV001709123.11), dbSNP rs2518617380, ClinGen allele CA2580099216.